The following is an entry in ClinVar:

NM_016580.4(PCDH12):c.176G>A (p.Arg59Gln)

Genes: RNF14 (ring finger protein 14; plus strand), PCDH12 (protocadherin 12; minus strand). Cytogenetic location: 5q31.3.
Variant type: single nucleotide variant.
Coding change: c.176G>A on transcript NM_016580.4 (MANE Select); coding-DNA position 176, G replaced by A.
Protein change: p.Arg59Gln; replaces arginine 59 with glutamine.
Molecular consequence: missense variant.
Genome position (GRCh38, 1-based): chr5:141,957,676, C>T on the plus strand (G>A on the coding strand, the complement: PCDH12 is on the minus strand). VCF-style: chr5-141957676-C-T. GRCh37 (hg19) VCF-style: chr5-141337241-C-T.
Other names: short protein forms R59Q.
Identifiers: ClinVar variation 1958363 (VCV001958363.5), dbSNP rs1167791258, ClinGen allele CA361592177.

ClinVar aggregate classification (germline): Uncertain significance (1 of 4 stars; one submission).

Allele frequency attached by ClinVar (database versions not stated): gnomAD exomes below 0.00001; TOPMed 0.00001.
gnomAD v4.1: 5 of 1,614,182 alleles (0.00031%); highest among the groups gnomAD compares: South Asian, 0.0011%; no homozygotes.

Submission:

Labcorp Genetics (formerly Invitae), Labcorp
Classification: Uncertain significance. Last evaluated: 2022-11-01. Review status: criteria provided, single submitter. Criteria: Invitae Variant Classification Sherloc (09022015). Collection method: clinical testing. Allele origin: germline.
Comment: In summary, the available evidence is currently insufficient to determine the role of this variant in disease. Therefore, it has been classified as a Variant of Uncertain Significance. Advanced modeling of protein sequence and biophysical properties (such as structural, functional, and spatial information, amino acid conservation, physicochemical variation, residue mobility, and thermodynamic stability) performed at Invitae indicates that this missense variant is not expected to disrupt PCDH12 protein function. This variant has not been reported in the literature in individuals affected with PCDH12-related conditions. This variant is not present in population databases (gnomAD no frequency). This sequence change replaces arginine, which is basic and polar, with glutamine, which is neutral and polar, at codon 59 of the PCDH12 protein (p.Arg59Gln).